The following is an entry in ClinVar:

ClinVar aggregate classification (germline): Uncertain significance (1 of 4 stars; one submission).

Conditions:
Pyogenic arthritis-pyoderma gangrenosum-acne syndrome (PAPA). Also called: FAMILIAL RECURRENT ARTHRITIS; PAPA SYNDROME. Identifiers: Orphanet 69126, MedGen C1858361, MONDO:0011462, OMIM 604416.

Submission:

Labcorp Genetics (formerly Invitae), Labcorp
Classification: Uncertain significance for Pyogenic arthritis-pyoderma gangrenosum-acne syndrome. Last evaluated: 2023-10-13. Review status: criteria provided, single submitter. Criteria: Invitae Variant Classification Sherloc (09022015). Collection method: clinical testing. Allele origin: germline.
Comment: This sequence change replaces tryptophan, which is neutral and slightly polar, with arginine, which is basic and polar, at codon 205 of the PSTPIP1 protein (p.Trp205Arg). This variant is not present in population databases (gnomAD no frequency). This variant has not been reported in the literature in individuals affected with PSTPIP1-related conditions. ClinVar contains an entry for this variant (Variation ID: 1938404). Advanced modeling of protein sequence and biophysical properties (such as structural, functional, and spatial information, amino acid conservation, physicochemical variation, residue mobility, and thermodynamic stability) performed at Invitae indicates that this missense variant is expected to disrupt PSTPIP1 protein function. In summary, the available evidence is currently insufficient to determine the role of this variant in disease. Therefore, it has been classified as a Variant of Uncertain Significance.

NM_003978.5(PSTPIP1):c.613T>C (p.Trp205Arg)

Gene: PSTPIP1 (proline-serine-threonine phosphatase interacting protein 1; plus strand). Cytogenetic location: 15q24.3.
Variant type: single nucleotide variant.
Coding change: c.613T>C on transcript NM_003978.5 (MANE Select); coding-DNA position 613, T replaced by C.
Protein change: p.Trp205Arg; replaces tryptophan 205 with arginine.
Molecular consequence: missense variant.
Genome position (GRCh38, 1-based): chr15:77,030,552, T>C. VCF-style: chr15-77030552-T-C. GRCh37 (hg19) VCF-style: chr15-77322893-T-C.
Other names: c.613T>C, p.Trp205Arg (NM_001321135.2, NM_001411086.1); c.586T>C, p.Trp196Arg (NM_001321136.2); c.808T>C, p.Trp270Arg (NM_001321137.1); short protein forms W205R, W270R, W196R.
Identifiers: ClinVar variation 1938404 (VCV001938404.5), dbSNP rs2542843276, ClinGen allele CA393520729.